The following is an entry in ClinVar:

ClinVar aggregate classification (germline): Uncertain significance (1 of 4 stars; one submission).

Conditions:
Marfan syndrome (MFS). Also called: MARFAN SYNDROME, TYPE I; Marfan syndrome type 1; Marfan's syndrome; Marfan syndrome, classic; FBN1-Related Marfan Syndrome. Identifiers: Orphanet 284963, Orphanet 558, MedGen C0024796, MONDO:0007947, OMIM 154700.
Familial thoracic aortic aneurysm and aortic dissection (TAAD). Also called: Thoracic aortic aneurysms and dissections. Identifiers: Orphanet 91387, MedGen C4707243, MONDO:0019625.

Submission:

Labcorp Genetics (formerly Invitae), Labcorp
Classification: Uncertain significance for Marfan syndrome; Familial thoracic aortic aneurysm and aortic dissection. Last evaluated: 2021-04-19. Review status: criteria provided, single submitter. Criteria: Invitae Variant Classification Sherloc (09022015). Collection method: clinical testing. Allele origin: germline.
Comment: In summary, the available evidence is currently insufficient to determine the role of this variant in disease. Therefore, it has been classified as a Variant of Uncertain Significance. This variant has not been reported in the literature in individuals with FBN1-related conditions. This variant results in a copy number gain of the genomic region encompassing exon(s) 44-66 of the FBN1 gene. The 5' boundary is likely confined to intron 43. The 3' end of this event is unknown as it extends beyond the assayed region for this gene and therefore may encompass additional genes. As the precise location of this event is unknown, it may be in tandem or it may be located elsewhere in the genome.

NC_000015.9:g.(?_48703187)_(48748979_?)dup

Gene: FBN1 (fibrillin 1; minus strand). Cytogenetic location: 15q21.1.
Variant type: Duplication.
Identifiers: ClinVar variation 1510029 (VCV001510029.4).